The following is an entry in ClinVar:

ClinVar aggregate classification (germline): Uncertain significance (1 of 4 stars; one submission).

gnomAD v4.1: 4 of 1,178,192 alleles (0.00034%); highest among the groups gnomAD compares: Non-Finnish European, 0.00046%; no homozygotes.

Submission:

Women's Health and Genetics/Laboratory Corporation of America, LabCorp
Classification: Uncertain significance. Last evaluated: 2025-02-11. Review status: criteria provided, single submitter. Criteria: LabCorp Variant Classification Summary - May 2015. Collection method: clinical testing. Allele origin: germline.
Comment: Variant summary: FGD1 c.1205G>A (p.Arg402Gln) results in a conservative amino acid change located in the Dbl homology domain (IPR000219) of the encoded protein sequence. Four of five in-silico tools predict a benign effect of the variant on protein function. The frequency data for this variant in gnomAD is considered unreliable, as metrics indicate poor data quality at this position. c.1205G>A has been reported in the literature in one individual affected with Aarskog Syndrome (Orrico_2010). These data do not allow any conclusion about variant significance. To our knowledge, no experimental evidence demonstrating an impact on protein function has been reported. The following publications have been ascertained in the context of this evaluation (PMID: 22854039, 20082460, 21739585). No submitters have cited clinical-significance assessments for this variant to ClinVar. Based on the evidence outlined above, the variant was classified as uncertain significance.

Literature cited by the submitters: PubMed 22854039; PubMed 20082460; PubMed 21739585.

NM_004463.3(FGD1):c.1205G>A (p.Arg402Gln)

Gene: FGD1 (FYVE, RhoGEF and PH domain containing 1; minus strand). Cytogenetic location: Xp11.22.
Variant type: single nucleotide variant.
Coding change: c.1205G>A on transcript NM_004463.3 (MANE Select); coding-DNA position 1205, G replaced by A.
Protein change: p.Arg402Gln; replaces arginine 402 with glutamine.
Molecular consequence: missense variant.
Genome position (GRCh38, 1-based): chrX:54,467,919, C>T on the plus strand (G>A on the coding strand, the complement: FGD1 is on the minus strand). VCF-style: chrX-54467919-C-T. GRCh37 (hg19) VCF-style: chrX-54494352-C-T.
Other names: short protein forms R402Q.
Identifiers: ClinVar variation 3768619 (VCV003768619.1).
Genomic context (GRCh38, chrX:54,467,919, plus strand): 5'-AAGATGCCGTGGACAACGTCGGCCGGGAAGGAACTGCGGTTCCGAGCTTCTTCCAGCAGC[C>T]GGGCACAGAACACCTGTGGGGCAGGGCAGAAGCACTCAGCCCAGCTGGGCCTGGGGCTTG-3'
Protein context (NP_004454.2, residues 392-412): LHLLDQVFCA[Arg402Gln]LLEEARNRSS